The following is an entry in ClinVar:

ClinVar aggregate classification (germline): Uncertain significance (1 of 4 stars; one submission).

Submission:

Labcorp Genetics (formerly Invitae), Labcorp
Classification: Uncertain significance. Last evaluated: 2025-12-08. Review status: criteria provided, single submitter. Criteria: Invitae Variant Classification Sherloc (09022015). Collection method: clinical testing. Allele origin: germline.
Comment: This sequence change replaces glycine, which is neutral and non-polar, with alanine, which is neutral and non-polar, at codon 531 of the SPEG protein (p.Gly531Ala). This variant is not present in population databases (gnomAD no frequency). This variant has not been reported in the literature in individuals affected with SPEG-related conditions. An algorithm developed to predict the effect of missense changes on protein structure and function (PolyPhen-2) suggests that this variant is likely to be disruptive. In summary, the available evidence is currently insufficient to determine the role of this variant in disease. Therefore, it has been classified as a Variant of Uncertain Significance.

NM_005876.5(SPEG):c.1592G>C (p.Gly531Ala)

Gene: SPEG (striated muscle enriched protein kinase; plus strand). Cytogenetic location: 2q35.
Variant type: single nucleotide variant.
Coding change: c.1592G>C on transcript NM_005876.5 (MANE Select); coding-DNA position 1592, G replaced by C.
Protein change: p.Gly531Ala; replaces glycine 531 with alanine.
Molecular consequence: missense variant.
Genome position (GRCh38, 1-based): chr2:219,448,750, G>C. VCF-style: chr2-219448750-G-C. GRCh37 (hg19) VCF-style: chr2-220313472-G-C.
Other names: c.1622G>C, p.Gly541Ala (NM_001438924.1); c.1415G>C, p.Gly472Ala (NM_001438925.1); c.1310G>C, p.Gly437Ala (NM_001438926.1, NM_001438929.1); c.1280G>C, p.Gly427Ala (NM_001438927.1); c.1133G>C, p.Gly378Ala (NM_001438928.1, NM_001438933.1); c.1103G>C, p.Gly368Ala (NM_001438930.1, NM_001438934.1); c.1253G>C, p.Gly418Ala (NM_001438931.1); c.1046G>C, p.Gly349Ala (NM_001438932.1); short protein forms G349A, G427A, G541A, G368A, G531A, G378A, G418A, G437A.
Identifiers: ClinVar variation 4730345 (VCV004730345.1).